The following is an entry in ClinVar:

ClinVar aggregate classification (germline): Pathogenic (1 of 4 stars; one submission).

Conditions:
Familial adenomatous polyposis 1 (FAP1). Also called: FAMILIAL ADENOMATOUS POLYPOSIS 1, ATTENUATED; POLYPOSIS, ADENOMATOUS INTESTINAL. Identifiers: MedGen C2713442, MONDO:0021056, OMIM 175100. Disease mechanism: loss of function.

Submission:

Labcorp Genetics (formerly Invitae), Labcorp
Classification: Pathogenic for Familial adenomatous polyposis 1. Last evaluated: 2023-05-11. Review status: criteria provided, single submitter. Criteria: Invitae Variant Classification Sherloc (09022015). Collection method: clinical testing. Allele origin: germline.
Comment: This sequence change creates a premature translational stop signal (p.Glu1550*) in the APC gene. While this is not anticipated to result in nonsense mediated decay, it is expected to disrupt the last 1294 amino acid(s) of the APC protein. This variant is not present in population databases (gnomAD no frequency). This premature translational stop signal has been observed in individual(s) with APC-related conditions (PMID: 32281046). This variant is expected to disrupt the EB1 and HDLG binding sites, which mediate interactions with the cytoskeleton (PMID: 15311282, 17293347). While functional studies have not been performed to directly test the effect on APC protein function, this suggests that disruption of the C-terminal portion of the protein is functionally important. A different truncation (p.Tyr2645Lysfs*14) that lies downstream of this variant has been determined to be pathogenic (PMID: 9824584, 1316610, 27081525, 8381579, 22135120, Invitae). This suggests that deletion of this region of the APC protein is causative of disease. For these reasons, this variant has been classified as Pathogenic.

Literature cited by the submitters: PubMed 32281046; PubMed 15311282; PubMed 17293347; PubMed 9824584; PubMed 1316610; PubMed 27081525; PubMed 8381579; PubMed 22135120.

NM_000038.6(APC):c.4648G>T (p.Glu1550Ter)

Gene: APC (APC regulator of Wnt signaling pathway; plus strand). Cytogenetic location: 5q22.2.
Variant type: single nucleotide variant.
Coding change: c.4648G>T on transcript NM_000038.6 (MANE Select); coding-DNA position 4648, G replaced by T.
Protein change: p.Glu1550Ter; replaces glutamic acid 1550 with a stop codon.
Molecular consequence: nonsense. On other transcripts: non-coding transcript variant (2).
Genome position (GRCh38, 1-based): chr5:112,840,242, G>T. VCF-style: chr5-112840242-G-T. GRCh37 (hg19) VCF-style: chr5-112175939-G-T.
Other names: c.4648G>T, p.Glu1550Ter (NM_001127510.3, NM_001354895.2, NM_001407450.1); c.4594G>T, p.Glu1532Ter (NM_001127511.3); c.4702G>T, p.Glu1568Ter (NM_001354896.2, NM_001407447.1, NM_001407448.1 and 1 more transcripts); c.4678G>T, p.Glu1560Ter (NM_001354897.2); c.4573G>T, p.Glu1525Ter (NM_001354898.2); c.4564G>T, p.Glu1522Ter (NM_001354899.2); c.4525G>T, p.Glu1509Ter (NM_001354900.2); c.4471G>T, p.Glu1491Ter (NM_001354901.2, NM_001407453.1); and 11 more; short protein forms E1491*, E1540*, E1550*, E1568*, E1578*, E1390*, E1459*, E1522*.
Identifiers: ClinVar variation 2780063 (VCV002780063.3), dbSNP rs2149920018, ClinGen allele CA16031518.